The following is an entry in ClinVar:

ClinVar aggregate classification (germline): Uncertain significance (1 of 4 stars; one submission).

Submission:

Centre of Medical Genetics, University Hospital Muenster
Classification: Uncertain significance. Last evaluated: 2023-03-02. Review status: criteria provided, single submitter. Criteria: ACMG Guidelines, 2015. Collection method: clinical testing. Allele origin: unknown. Affected: yes. Observed: 1 variant allele.
Comment: ACMG categories: PM2,PP3

NM_014140.4(SMARCAL1):c.2070+5G>A

Gene: SMARCAL1 (SNF2 related chromatin remodeling annealing helicase 1; plus strand). Cytogenetic location: 2q35.
Variant type: single nucleotide variant.
Coding change: c.2070+5G>A on transcript NM_014140.4 (MANE Select); 5 bases into the intron after coding-DNA position 2070, G replaced by A.
Molecular consequence: intron variant.
Genome position (GRCh38, 1-based): chr2:216,451,069, G>A. VCF-style: chr2-216451069-G-A. GRCh37 (hg19) VCF-style: chr2-217315792-G-A.
Other names: c.2070+5G>A (NM_001127207.2).
Identifiers: ClinVar variation 3248636 (VCV003248636.2), dbSNP rs2469017253.